The following is an entry in ClinVar:

ClinVar aggregate classification (germline): Uncertain significance (1 of 4 stars; one submission).

Conditions:
Inborn genetic diseases. Identifiers: MedGen C0950123, MeSH D030342.

Submission:

Ambry Genetics
Classification: Uncertain significance for Inborn genetic diseases. Last evaluated: 2026-01-18. Review status: criteria provided, single submitter. Criteria: Ambry Variant Classification Scheme 2023. Collection method: clinical testing. Allele origin: germline.
Comment: The p.P1179A variant (also known as c.3535C>G), located in coding exon 36 of the FANCA gene, results from a C to G substitution at nucleotide position 3535. The proline at codon 1179 is replaced by alanine, an amino acid with highly similar properties. This amino acid position is conserved. In addition, the in silico prediction for this alteration is inconclusive. Based on the available evidence, the clinical significance of this variant remains unclear.

NM_000135.4(FANCA):c.3535C>G (p.Pro1179Ala)

Gene: FANCA (FA complementation group A; minus strand). Cytogenetic location: 16q24.3.
Variant type: single nucleotide variant.
Coding change: c.3535C>G on transcript NM_000135.4 (MANE Select); coding-DNA position 3535, C replaced by G.
Protein change: p.Pro1179Ala; replaces proline 1179 with alanine.
Molecular consequence: missense variant.
Genome position (GRCh38, 1-based): chr16:89,745,050, G>C on the plus strand (C>G on the coding strand, the complement: FANCA is on the minus strand). VCF-style: chr16-89745050-G-C. GRCh37 (hg19) VCF-style: chr16-89811458-G-C.
Other names: c.3535C>G, p.Pro1179Ala (NM_001286167.3); short protein forms P1179A.
Identifiers: ClinVar variation 4824579 (VCV004824579.1).